The following is an entry in ClinVar:

ClinVar aggregate classification (germline): Uncertain significance (1 of 4 stars; one submission).

Conditions:
Dilated cardiomyopathy 1R (CMD1R). Identifiers: Orphanet 154, Orphanet 54260, MedGen C3150681, MONDO:0013261, OMIM 613424.
Atrial septal defect 5 (ASD5). Identifiers: Orphanet 1478, MedGen C2748552, MONDO:0013011, OMIM 612794.
Hypertrophic cardiomyopathy 11. Also called: ACTC1-Related Familial Hypertrophic Cardiomyopathy. Identifiers: MedGen C2677506, MONDO:0012799, OMIM 612098.

Submission:

Labcorp Genetics (formerly Invitae), Labcorp
Classification: Uncertain significance for Dilated cardiomyopathy 1R; Hypertrophic cardiomyopathy 11; Atrial septal defect 5. Last evaluated: 2025-03-09. Review status: criteria provided, single submitter. Criteria: Invitae Variant Classification Sherloc (09022015). Collection method: clinical testing. Allele origin: germline.
Comment: This sequence change replaces methionine, which is neutral and non-polar, with arginine, which is basic and polar, at codon 121 of the ACTC1 protein (p.Met121Arg). This variant is not present in population databases (gnomAD no frequency). This variant has not been reported in the literature in individuals affected with ACTC1-related conditions. Invitae Evidence Modeling of protein sequence and biophysical properties (such as structural, functional, and spatial information, amino acid conservation, physicochemical variation, residue mobility, and thermodynamic stability) indicates that this missense variant is expected to disrupt ACTC1 protein function with a positive predictive value of 80%. In summary, the available evidence is currently insufficient to determine the role of this variant in disease. Therefore, it has been classified as a Variant of Uncertain Significance.

NM_005159.5(ACTC1):c.362T>G (p.Met121Arg)

Genes: ACTC1 (actin alpha cardiac muscle 1; minus strand), GJD2-DT (GJD2 divergent transcript; plus strand). Cytogenetic location: 15q14.
Variant type: single nucleotide variant.
Coding change: c.362T>G on transcript NM_005159.5 (MANE Select); coding-DNA position 362, T replaced by G.
Protein change: p.Met121Arg; replaces methionine 121 with arginine.
Molecular consequence: missense variant. On other transcripts: 5 prime UTR variant (1).
Genome position (GRCh38, 1-based): chr15:34,793,337, A>C on the plus strand (T>G on the coding strand, the complement: ACTC1 is on the minus strand). VCF-style: chr15-34793337-A-C. GRCh37 (hg19) VCF-style: chr15-35085538-A-C.
Other names: c.362T>G, p.Met121Arg (NM_001406482.1, NM_001406483.1); c.227T>G, p.Met76Arg (NM_001406484.1); c.-27T>G (NM_001406485.1); short protein forms M76R, M121R.
Identifiers: ClinVar variation 4782527 (VCV004782527.1).